The following is an entry in ClinVar:

ClinVar aggregate classification (germline): Uncertain significance. Review status: criteria provided, multiple submitters, no conflicts (2 of 4 stars). 2 submissions from 2 submitters: Uncertain significance (2). Last evaluated 2023-05-02.

Conditions:
Dilated cardiomyopathy 1J (CMD1J). Also called: CARDIOMYOPATHY, DILATED, WITH SENSORINEURAL HEARING LOSS, AUTOSOMAL DOMINANT. Identifiers: Orphanet 217622, MedGen C1854368, MONDO:0011541, OMIM 605362.

Submissions (2):

GeneDx
Classification: Uncertain significance. Last evaluated: 2023-05-02. Review status: criteria provided, single submitter. Criteria: GeneDx Variant Classification Process June 2021. Collection method: clinical testing. Allele origin: germline. Affected: yes.
Comment: Not observed at significant frequency in large population cohorts (gnomAD); In silico analysis supports that this missense variant does not alter protein structure/function; Has not been previously published as pathogenic or benign to our knowledge

Labcorp Genetics (formerly Invitae), Labcorp
Classification: Uncertain significance for Dilated cardiomyopathy 1J. Last evaluated: 2022-05-12. Review status: criteria provided, single submitter. Criteria: Invitae Variant Classification Sherloc (09022015). Collection method: clinical testing. Allele origin: germline.
Comment: This sequence change replaces glycine, which is neutral and non-polar, with glutamic acid, which is acidic and polar, at codon 348 of the EYA4 protein (p.Gly348Glu). This variant is not present in population databases (gnomAD no frequency). This variant has not been reported in the literature in individuals affected with EYA4-related conditions. Algorithms developed to predict the effect of missense changes on protein structure and function are either unavailable or do not agree on the potential impact of this missense change (SIFT: "Deleterious"; PolyPhen-2: "Benign"; Align-GVGD: "Class C0"). In summary, the available evidence is currently insufficient to determine the role of this variant in disease. Therefore, it has been classified as a Variant of Uncertain Significance.

NM_004100.5(EYA4):c.1043G>A (p.Gly348Glu)

Gene: EYA4 (EYA transcriptional coactivator and phosphatase 4; plus strand). Cytogenetic location: 6q23.2.
Variant type: single nucleotide variant.
Coding change: c.1043G>A on transcript NM_004100.5 (MANE Select); coding-DNA position 1043, G replaced by A.
Protein change: p.Gly348Glu; replaces glycine 348 with glutamic acid.
Molecular consequence: missense variant.
Genome position (GRCh38, 1-based): chr6:133,481,535, G>A. VCF-style: chr6-133481535-G-A. GRCh37 (hg19) VCF-style: chr6-133802673-G-A.
Other names: c.881G>A, p.Gly294Glu (NM_001301012.2); c.1061G>A, p.Gly354Glu (NM_001301013.2); c.974G>A, p.Gly325Glu (NM_001370458.1, NM_172103.4); c.899G>A, p.Gly300Glu (NM_001370459.1); c.1043G>A, p.Gly348Glu (NM_172105.4); c.1043G>A (NM_004100.4); short protein forms G325E, G354E, G294E, G300E, G348E.
Identifiers: ClinVar variation 1408646 (VCV001408646.7), dbSNP rs2128707600, ClinGen allele CA365706452.